The following is an entry in ClinVar:

ClinVar aggregate classification (germline): Uncertain significance (1 of 4 stars; one submission).

Conditions:
POLD1-related polyposis and colorectal cancer syndrome (CRCS10). Also called: Colorectal cancer 10; COLORECTAL CANCER, SUSCEPTIBILITY TO, ON CHROMOSOME 19q; Colorectal cancer, susceptibility to, 10. Identifiers: Orphanet 220460, MedGen C2675481, MONDO:0012953, OMIM 612591.

Submission:

Labcorp Genetics (formerly Invitae), Labcorp
Classification: Uncertain significance for POLD1-related polyposis and colorectal cancer syndrome. Last evaluated: 2023-04-06. Review status: criteria provided, single submitter. Criteria: Invitae Variant Classification Sherloc (09022015). Collection method: clinical testing. Allele origin: germline.
Comment: This variant, c.2732_2737del, results in the deletion of 2 amino acid(s) of the POLD1 protein (p.Asp911_Pro912del), but otherwise preserves the integrity of the reading frame. This variant is not present in population databases (gnomAD no frequency). This variant has not been reported in the literature in individuals affected with POLD1-related conditions. Experimental studies and prediction algorithms are not available or were not evaluated, and the functional significance of this variant is currently unknown. In summary, the available evidence is currently insufficient to determine the role of this variant in disease. Therefore, it has been classified as a Variant of Uncertain Significance.

NM_002691.4(POLD1):c.2732_2737del (p.Asp911_Pro912del)

Gene: POLD1 (DNA polymerase delta 1, catalytic subunit; plus strand). Cytogenetic location: 19q13.33.
Variant type: Deletion.
Coding change: c.2732_2737del on transcript NM_002691.4 (MANE Select); coding-DNA positions 2732 to 2737, 6 bases deleted (ACCCCG; older notation c.2732_2737delACCCCG).
Protein change: p.Asp911_Pro912del.
Molecular consequence: inframe deletion.
Genome position (GRCh38, 1-based): chr19:50,415,738-50,415,743, ACCCCG deleted; deleting any 6 consecutive bases within chr19:50,415,737-50,415,743 gives the same sequence; the c. name uses the placement nearest the transcript's 3' end. VCF-style (leftmost placement, unchanged base first): chr19-50415736-GGACCCC-G. GRCh37 (hg19) VCF-style: chr19-50918993-GGACCCC-G.
Other names: c.2732_2737del, p.Asp911_Pro912del (NM_001256849.1); c.2810_2815del, p.Asp937_Pro938del (NM_001308632.1).
Identifiers: ClinVar variation 2852380 (VCV002852380.3), dbSNP rs2514057471, ClinGen allele CA2739276982.